The following is an entry in ClinVar:

NM_014727.3(KMT2B):c.5462C>G (p.Pro1821Arg)

Gene: KMT2B (lysine methyltransferase 2B; plus strand). Cytogenetic location: 19q13.12.
Variant type: single nucleotide variant.
Coding change: c.5462C>G on transcript NM_014727.3 (MANE Select); coding-DNA position 5462, C replaced by G.
Protein change: p.Pro1821Arg; replaces proline 1821 with arginine.
Molecular consequence: missense variant.
Genome position (GRCh38, 1-based): chr19:35,731,932, C>G. VCF-style: chr19-35731932-C-G. GRCh37 (hg19) VCF-style: chr19-36222833-C-G.
Other names: short protein forms P1821R.
Identifiers: ClinVar variation 1341931 (VCV001341931.2), dbSNP rs748336996, ClinGen allele CA405422071.

ClinVar aggregate classification (germline): Conflicting classifications of pathogenicity. Review status: criteria provided, conflicting classifications (1 of 4 stars). 2 submissions from 2 submitters: Likely pathogenic (1); Uncertain significance (1). Last evaluated 2024-12-26.

Conditions:
Dystonia 28, childhood-onset (DYT28). Also called: KMT2B-Related Dystonia (DYT-KMT2B). Identifiers: Orphanet 589618, MedGen C4310633, MONDO:0015004, OMIM 617284.

Submissions (2):

GeneDx
Classification: Uncertain significance. Last evaluated: 2024-12-26. Review status: criteria provided, single submitter. Criteria: GeneDx Variant Classification Process June 2021. Collection method: clinical testing. Allele origin: germline. Affected: yes.
Comment: Not observed at significant frequency in large population cohorts (gnomAD); In silico analysis indicates that this missense variant does not alter protein structure/function; Has not been previously published as pathogenic or benign to our knowledge

New York Genome Center
Classification: Likely pathogenic for Dystonia 28, childhood-onset. Last evaluated: 2020-06-18. Review status: criteria provided, single submitter. Criteria: NYGC Assertion Criteria 2020. Collection method: clinical testing. Allele origin: de novo. Observed: 1 heterozygote. Study: CSER-NYCKidSeq.
Comment: The de novo heterozygous missense variant (p.Pro1821Arg) identified in KMT2B has not been reported in affected individuals in the literature. The altered residue is not well conserved and in silico prediction tools provide conflicting interpretations about pathogenicity of this variant. The p.Pro1821Arg variant is absent from the gnomAD(v3) database indicating it is an extremely rare allele in the general population. Based on the available evidence, the de novo p.Pro1821Arg varian tidentified in the KMT2B gene of this individual is assessed as likely pathogenic.